The following is an entry in ClinVar:

ClinVar aggregate classification (germline): Uncertain significance (1 of 4 stars; one submission).

Conditions:
Cranioectodermal dysplasia 1 (CED1). Also called: LEVIN SYNDROME I. Identifiers: Orphanet 1515, MedGen C0432235, MONDO:0021093, OMIM 218330.

Submission:

Labcorp Genetics (formerly Invitae), Labcorp
Classification: Uncertain significance for Cranioectodermal dysplasia 1. Last evaluated: 2024-05-25. Review status: criteria provided, single submitter. Criteria: Invitae Variant Classification Sherloc (09022015). Collection method: clinical testing. Allele origin: germline.
Comment: This sequence change replaces arginine, which is basic and polar, with leucine, which is neutral and non-polar, at codon 476 of the IFT122 protein (p.Arg476Leu). This variant is not present in population databases (gnomAD no frequency). This variant has not been reported in the literature in individuals affected with IFT122-related conditions. Advanced modeling of protein sequence and biophysical properties (such as structural, functional, and spatial information, amino acid conservation, physicochemical variation, residue mobility, and thermodynamic stability) performed at Invitae indicates that this missense variant is not expected to disrupt IFT122 protein function with a negative predictive value of 80%. In summary, the available evidence is currently insufficient to determine the role of this variant in disease. Therefore, it has been classified as a Variant of Uncertain Significance.

NM_052989.3(IFT122):c.1274G>T (p.Arg425Leu)

Gene: IFT122 (intraflagellar transport 122; plus strand). Cytogenetic location: 3q21.3.
Variant type: single nucleotide variant.
Coding change: c.1274G>T on transcript NM_052989.3 (MANE Select); coding-DNA position 1274, G replaced by T.
Protein change: p.Arg425Leu; replaces arginine 425 with leucine.
Molecular consequence: missense variant.
Genome position (GRCh38, 1-based): chr3:129,478,142, G>T. VCF-style: chr3-129478142-G-T. GRCh37 (hg19) VCF-style: chr3-129196985-G-T.
Other names: c.1427G>T, p.Arg476Leu (NM_052985.4); c.941G>T, p.Arg314Leu (NM_052990.3, NM_001410815.1, NM_001410817.1); c.1250G>T, p.Arg417Leu (NM_001280541.2); c.824G>T, p.Arg275Leu (NM_001280545.2); c.647G>T, p.Arg216Leu (NM_001280546.2); c.1274G>T, p.Arg425Leu (NM_001410808.1, NM_001410809.1); c.1097G>T, p.Arg366Leu (NM_001410810.1, NM_001410811.1, NM_001410813.1 and 1 more transcripts); short protein forms R366L, R216L, R417L, R476L, R275L, R314L, R425L.
Identifiers: ClinVar variation 3691667 (VCV003691667.2).